The following is an entry in ClinVar:

NM_000059.4(BRCA2):c.5023T>C (p.Cys1675Arg)

Gene: BRCA2 (BRCA2 DNA repair associated; plus strand). Cytogenetic location: 13q13.1.
Variant type: single nucleotide variant.
Coding change: c.5023T>C on transcript NM_000059.4 (MANE Select); coding-DNA position 5023, T replaced by C.
Protein change: p.Cys1675Arg; replaces cysteine 1675 with arginine.
Molecular consequence: missense variant.
Genome position (GRCh38, 1-based): chr13:32,339,378, T>C. VCF-style: chr13-32339378-T-C. GRCh37 (hg19) VCF-style: chr13-32913515-T-C.
Other names: short protein forms C1675R.
Identifiers: ClinVar variation 184360 (VCV000184360.26), dbSNP rs786201420, ClinGen allele CA021140.

ClinVar aggregate classification (germline): Conflicting classifications of pathogenicity. Review status: criteria provided, conflicting classifications (1 of 4 stars). 7 submissions from 7 submitters: Uncertain significance (6); Likely benign (1). Last evaluated 2025-10-06.

Conditions:
Familial cancer of breast. Also called: Hereditary breast cancer; hereditary breast carcinoma; BREAST CANCER, FAMILIAL. Identifiers: Orphanet 227535, MedGen C0346153, MONDO:0016419, OMIM 114480. Disease mechanism: loss of function.
Breast-ovarian cancer, familial, susceptibility to, 2 (BROVCA2). Also called: BRCA2 Hereditary Breast and Ovarian Cancer. Identifiers: Orphanet 145, MedGen C2675520, MONDO:0012933, OMIM 612555. Disease mechanism: loss of function.
Wilms tumor 1 (WT1). Also called: Wilms tumor, somatic. Identifiers: Orphanet 654, MedGen CN033288, MONDO:0008679, OMIM 194070.
Pancreatic cancer, susceptibility to, 2. Identifiers: Orphanet 1333, MedGen C3150546, MONDO:0013235, OMIM 613347.
Glioma susceptibility 3 (GLM3). Also called: Glioblastoma 3. Identifiers: Orphanet 182067, Orphanet 360, MedGen C2751641, MONDO:0013093, OMIM 613029.
Familial prostate cancer. Also called: Hereditary Prostate Cancer. Identifiers: MedGen C2931456, MONDO:0700275, OMIM 176807.
Fanconi anemia complementation group D1. Also called: BRCA2-Related Fanconi Anemia. Identifiers: Orphanet 319462, MedGen C1838457, MONDO:0011584, OMIM 605724.
Medulloblastoma (MDB). Also called: MEDULLOBLASTOMA PREDISPOSITION SYNDROME; Medulloblastoma, somatic. Identifiers: Orphanet 616, MedGen C0025149, MeSH D008527, MONDO:0007959, OMIM 155255, HP:0002885.
Hereditary cancer-predisposing syndrome. Also called: Hereditary Cancer Syndrome; Neoplastic Syndromes, Hereditary; Tumor predisposition; Hereditary neoplastic syndrome. Identifiers: Orphanet 140162, MedGen C0027672, MeSH D009386, MONDO:0015356.
Hereditary breast ovarian cancer syndrome. Also called: Hereditary breast and ovarian cancer; Hereditary breast and ovarian cancer syndrome (HBOC); Hereditary breast and/or ovarian cancer syndrome; Hereditary breast and ovarian cancer syndrome; Breast and ovarian cancer; BRCA1- and BRCA2-Associated Hereditary Breast and Ovarian Cancer. Identifiers: Orphanet 145, MedGen C0677776, MeSH D061325, MONDO:0003582. Disease mechanism: loss of function.

Allele frequency attached by ClinVar (database versions not stated): gnomAD exomes below 0.00001; TOPMed below 0.00001.
gnomAD v4.1: 4 of 1,594,668 alleles (0.00025%); highest among the groups gnomAD compares: East Asian, 0.0022%; no homozygotes.

Submissions (7):

Labcorp Genetics (formerly Invitae), Labcorp
Classification: Uncertain significance for Hereditary breast ovarian cancer syndrome. Last evaluated: 2025-10-06. Review status: criteria provided, single submitter. Criteria: Invitae Variant Classification Sherloc (09022015). Collection method: clinical testing. Allele origin: germline.
Comment: This sequence change replaces cysteine, which is neutral and slightly polar, with arginine, which is basic and polar, at codon 1675 of the BRCA2 protein (p.Cys1675Arg). This variant is not present in population databases (gnomAD no frequency). This variant has not been reported in the literature in individuals affected with BRCA2-related conditions. ClinVar contains an entry for this variant (Variation ID: 184360). Invitae Evidence Modeling of protein sequence and biophysical properties (such as structural, functional, and spatial information, amino acid conservation, physicochemical variation, residue mobility, and thermodynamic stability) indicates that this missense variant is not expected to disrupt BRCA2 protein function with a negative predictive value of 95%. In summary, the available evidence is currently insufficient to determine the role of this variant in disease. Therefore, it has been classified as a Variant of Uncertain Significance.

Ambry Genetics
Classification: Uncertain significance for Hereditary cancer-predisposing syndrome. Last evaluated: 2025-07-25. Review status: criteria provided, single submitter. Criteria: Ambry Variant Classification Scheme 2023. Collection method: clinical testing. Allele origin: germline.
Comment: The p.C1675R variant (also known as c.5023T>C), located in coding exon 10 of the BRCA2 gene, results from a T to C substitution at nucleotide position 5023. The cysteine at codon 1675 is replaced by arginine, an amino acid with highly dissimilar properties. This amino acid position is poorly conserved in available vertebrate species. In addition, this alteration is predicted to be tolerated by in silico analysis. Based on the available evidence, the clinical significance of this variant remains unclear.

Fulgent Genetics
Classification: Uncertain significance for Familial cancer of breast; Medulloblastoma; Familial prostate cancer; Wilms tumor 1; Fanconi anemia complementation group D1; Breast-ovarian cancer, familial, susceptibility to, 2; Glioma susceptibility 3; Pancreatic cancer, susceptibility to, 2. Last evaluated: 2024-03-25. Review status: criteria provided, single submitter. Criteria: ACMG Guidelines, 2015. Collection method: clinical testing. Allele origin: germline.

University of Washington Department of Laboratory Medicine, University of Washington
Classification: Likely benign for Hereditary cancer-predisposing syndrome. Last evaluated: 2023-03-23. Review status: criteria provided, single submitter. Criteria: Dines et al. (Genet Med. 2020). Collection method: curation. Allele origin: germline.
Comment: Missense variant in a coldspot region where missense variants are very unlikely to be pathogenic (PMID:31911673).

BRCA2 exon 11 coldspot. Reclassification based on statistical prior probability.

St. Jude Molecular Pathology, St. Jude Children's Research Hospital
Classification: Uncertain significance for Hereditary breast ovarian cancer syndrome. Last evaluated: 2021-09-01. Review status: criteria provided, single submitter. Criteria: St. Jude Assertion Criteria 2020. Collection method: clinical testing. Allele origin: germline.

Color Diagnostics, LLC DBA Color Health
Classification: Uncertain significance for Hereditary cancer-predisposing syndrome. Last evaluated: 2019-06-28. Review status: criteria provided, single submitter. Criteria: ACMG Guidelines, 2015. Collection method: clinical testing. Allele origin: germline.

GeneDx
Classification: Uncertain significance. Last evaluated: 2019-06-12. Review status: criteria provided, single submitter. Criteria: GeneDx Variant Classification Process June 2021. Collection method: clinical testing. Allele origin: germline. Affected: yes.
Comment: Not observed in large population cohorts (Lek et al., 2016); In silico analysis, which includes protein predictors and evolutionary conservation, supports that this variant does not alter protein structure/function

Literature cited by the submitters: PubMed 29641532 (cited by Ambry Genetics).